The following is an entry in ClinVar:

ClinVar aggregate classification (germline): Uncertain significance (1 of 4 stars; one submission).

Conditions:
Adult-onset proximal spinal muscular atrophy, autosomal dominant. Also called: FINKEL LATE-ADULT TYPE SMA; Spinal muscular atrophy, late-onset, finkel type. Identifiers: Orphanet 209335, MedGen C1854058, MONDO:0008453, OMIM 182980.
Amyotrophic lateral sclerosis type 8 (ALS8). Identifiers: Orphanet 803, MedGen C1837728, MONDO:0012077, OMIM 608627.

Allele frequency attached by ClinVar (database versions not stated): gnomAD exomes below 0.00001.
gnomAD v4.1: 1 of 1,601,260 alleles (0.000062%); highest among the groups gnomAD compares: Non-Finnish European, 0.000086%; no homozygotes.

Submission:

Labcorp Genetics (formerly Invitae), Labcorp
Classification: Uncertain significance for Adult-onset proximal spinal muscular atrophy, autosomal dominant; Amyotrophic lateral sclerosis type 8. Last evaluated: 2022-04-06. Review status: criteria provided, single submitter. Criteria: Invitae Variant Classification Sherloc (09022015). Collection method: clinical testing. Allele origin: germline.
Comment: This variant is not present in population databases (gnomAD no frequency). This sequence change replaces histidine, which is basic and polar, with aspartic acid, which is acidic and polar, at codon 86 of the VAPB protein (p.His86Asp). This variant has not been reported in the literature in individuals affected with VAPB-related conditions. Algorithms developed to predict the effect of missense changes on protein structure and function are either unavailable or do not agree on the potential impact of this missense change (SIFT: "Not Available"; PolyPhen-2: "Probably Damaging"; Align-GVGD: "Not Available"). In summary, the available evidence is currently insufficient to determine the role of this variant in disease. Therefore, it has been classified as a Variant of Uncertain Significance.

NM_004738.5(VAPB):c.256C>G (p.His86Asp)

Gene: VAPB (VAMP associated protein B and C; plus strand). Cytogenetic location: 20q13.32.
Variant type: single nucleotide variant.
Coding change: c.256C>G on transcript NM_004738.5 (MANE Select); coding-DNA position 256, C replaced by G.
Protein change: p.His86Asp; replaces histidine 86 with aspartic acid.
Molecular consequence: missense variant. On other transcripts: intron variant (1).
Genome position (GRCh38, 1-based): chr20:58,434,646, C>G. VCF-style: chr20-58434646-C-G. GRCh37 (hg19) VCF-style: chr20-57009702-C-G.
Other names: c.212-9431C>G (NM_001195677.2); short protein forms H86D.
Identifiers: ClinVar variation 2122306 (VCV002122306.4), dbSNP rs2516055677, ClinGen allele CA409439144.